The following is an entry in ClinVar:

NM_021098.3(CACNA1H):c.2893G>A (p.Val965Ile)

Gene: CACNA1H (calcium voltage-gated channel subunit alpha1 H; plus strand). Cytogenetic location: 16p13.3.
Variant type: single nucleotide variant.
Coding change: c.2893G>A on transcript NM_021098.3 (MANE Select); coding-DNA position 2893, G replaced by A.
Protein change: p.Val965Ile; replaces valine 965 with isoleucine.
Molecular consequence: missense variant.
Genome position (GRCh38, 1-based): chr16:1,207,104, G>A. VCF-style: chr16-1207104-G-A. GRCh37 (hg19) VCF-style: chr16-1257104-G-A.
Other names: c.2893G>A (NM_021098.2); c.2893G>A, p.Val965Ile (NM_001005407.2); short protein forms V965I.
Identifiers: ClinVar variation 2925252 (VCV002925252.5), dbSNP rs371492223, ClinGen allele CA7800477.

ClinVar aggregate classification (germline): Uncertain significance. Review status: criteria provided, multiple submitters, no conflicts (2 of 4 stars). 3 submissions from 3 submitters: Uncertain significance (3). Last evaluated 2025-11-25.

Conditions:
Inborn genetic diseases. Identifiers: MedGen C0950123, MeSH D030342.
Hyperaldosteronism, familial, type IV (HALD4). Also called: FH IV; ALDOSTERONISM, PRIMARY, AND HYPERTENSION. Identifiers: Orphanet 642671, MedGen C4310756, MONDO:0014875, OMIM 617027.
Idiopathic generalized epilepsy. Also called: EIG; Generalised epilepsy. Identifiers: MedGen C0270850, MONDO:0005579, OMIM 600669.
Epilepsy, childhood absence, susceptibility to, 6. Identifiers: Orphanet 64280, MedGen C2749872, MONDO:0012763, OMIM 611942.

Allele frequency attached by ClinVar (database versions not stated): gnomAD exomes 0.00001; TOPMed 0.00001; ExAC 0.00002; gnomAD 0.00003; ESP Exome Variant Server 0.00008.
gnomAD v4.1: 22 of 1,593,178 alleles (0.0014%); highest among the groups gnomAD compares: African/African-American, 0.0094%; no homozygotes.

Submissions (3):

Labcorp Genetics (formerly Invitae), Labcorp
Classification: Uncertain significance for Idiopathic generalized epilepsy; Hyperaldosteronism, familial, type IV. Last evaluated: 2025-11-25. Review status: criteria provided, single submitter. Criteria: Invitae Variant Classification Sherloc (09022015). Collection method: clinical testing. Allele origin: germline.
Comment: This sequence change replaces valine, which is neutral and non-polar, with isoleucine, which is neutral and non-polar, at codon 965 of the CACNA1H protein (p.Val965Ile). The frequency data for this variant in the population databases is considered unreliable, as metrics indicate poor data quality at this position in the gnomAD database. This variant has not been reported in the literature in individuals affected with CACNA1H-related conditions. ClinVar contains an entry for this variant (Variation ID: 2925252). Invitae Evidence Modeling of protein sequence and biophysical properties (such as structural, functional, and spatial information, amino acid conservation, physicochemical variation, residue mobility, and thermodynamic stability) indicates that this missense variant is expected to disrupt CACNA1H protein function with a positive predictive value of 80%. In summary, the available evidence is currently insufficient to determine the role of this variant in disease. Therefore, it has been classified as a Variant of Uncertain Significance.

Ambry Genetics
Classification: Uncertain significance for Inborn genetic diseases. Last evaluated: 2024-11-25. Review status: criteria provided, single submitter. Criteria: Ambry Variant Classification Scheme 2023. Collection method: clinical testing. Allele origin: germline.

Fulgent Genetics
Classification: Uncertain significance for Epilepsy, childhood absence, susceptibility to, 6; Hyperaldosteronism, familial, type IV. Last evaluated: 2024-01-08. Review status: criteria provided, single submitter. Criteria: ACMG Guidelines, 2015. Collection method: clinical testing. Allele origin: germline.